The following is an entry in ClinVar:

NM_007327.4(GRIN1):c.2780G>A (p.Gly927Asp)

Gene: GRIN1 (glutamate ionotropic receptor NMDA type subunit 1; plus strand). Cytogenetic location: 9q34.3.
Variant type: single nucleotide variant.
Coding change: c.2780G>A on transcript NM_007327.4 (MANE Select); coding-DNA position 2780, G replaced by A.
Protein change: p.Gly927Asp; replaces glycine 927 with aspartic acid.
Molecular consequence: missense variant. On other transcripts: intron variant (3).
Genome position (GRCh38, 1-based): chr9:137,167,490, G>A. VCF-style: chr9-137167490-G-A. GRCh37 (hg19) VCF-style: chr9-140061942-G-A.
Other names: c.2780G>A (NM_007327.3); c.2669G>A, p.Gly890Asp (NM_021569.4); c.2764-284G>A (NM_001185090.2); c.2653-284G>A (NM_001185091.2); c.2590-284G>A (NM_000832.7); short protein forms G890D, G927D.
Identifiers: ClinVar variation 2119619 (VCV002119619.5), dbSNP rs1833944169, ClinGen allele CA375729940.

ClinVar aggregate classification (germline): Uncertain significance. Review status: criteria provided, multiple submitters, no conflicts (2 of 4 stars). 2 submissions from 2 submitters: Uncertain significance (2). Last evaluated 2025-04-19.

Conditions:
Neurodevelopmental disorder with or without hyperkinetic movements and seizures, autosomal dominant. Also called: Intellectual disability, autosomal dominant 8. Identifiers: MedGen C3280282, MONDO:0013655, OMIM 614254.

Allele frequency attached by ClinVar (database versions not stated): gnomAD exomes below 0.00001.
gnomAD v4.1: 1 of 1,557,718 alleles (0.000064%); highest among the groups gnomAD compares: Admixed American, 0.0019%; no homozygotes.

Submissions (2):

GeneDx
Classification: Uncertain significance. Last evaluated: 2025-04-19. Review status: criteria provided, single submitter. Criteria: GeneDx Variant Classification Process June 2021. Collection method: clinical testing. Allele origin: germline. Affected: yes.
Comment: Not observed at significant frequency in large population cohorts (gnomAD); In silico analysis indicates that this missense variant does not alter protein structure/function; Has not been previously published as pathogenic or benign to our knowledge.

Labcorp Genetics (formerly Invitae), Labcorp
Classification: Uncertain significance for Neurodevelopmental disorder with or without hyperkinetic movements and seizures, autosomal dominant. Last evaluated: 2022-03-29. Review status: criteria provided, single submitter. Criteria: Invitae Variant Classification Sherloc (09022015). Collection method: clinical testing. Allele origin: germline.
Comment: This sequence change replaces glycine, which is neutral and non-polar, with aspartic acid, which is acidic and polar, at codon 927 of the GRIN1 protein (p.Gly927Asp). This variant is not present in population databases (gnomAD no frequency). This variant has not been reported in the literature in individuals affected with GRIN1-related conditions. Advanced modeling of protein sequence and biophysical properties (such as structural, functional, and spatial information, amino acid conservation, physicochemical variation, residue mobility, and thermodynamic stability) performed at Invitae indicates that this missense variant is not expected to disrupt GRIN1 protein function. Algorithms developed to predict the effect of sequence changes on RNA splicing suggest that this variant may create or strengthen a splice site. In summary, the available evidence is currently insufficient to determine the role of this variant in disease. Therefore, it has been classified as a Variant of Uncertain Significance.